The following is an entry in ClinVar:

NM_014515.7(CNOT2):c.710A>G (p.Asn237Ser)

Gene: CNOT2 (CCR4-NOT transcription complex subunit 2; plus strand). Cytogenetic location: 12q15.
Variant type: single nucleotide variant.
Coding change: c.710A>G on transcript NM_014515.7 (MANE Select); coding-DNA position 710, A replaced by G.
Protein change: p.Asn237Ser; replaces asparagine 237 with serine.
Molecular consequence: missense variant. On other transcripts: non-coding transcript variant (1).
Genome position (GRCh38, 1-based): chr12:70,335,498, A>G. VCF-style: chr12-70335498-A-G. GRCh37 (hg19) VCF-style: chr12-70729278-A-G.
Other names: c.710A>G, p.Asn237Ser (NM_001199302.2, NM_001199303.2); c.710A>G (NM_001199303.1); short protein forms N237S.
Identifiers: ClinVar variation 1049790 (VCV001049790.4), dbSNP rs201309251, ClinGen allele CA6682734.

ClinVar aggregate classification (germline): Likely benign. Review status: criteria provided, single submitter (1 of 4 stars). 2 submissions from 2 submitters: Likely benign (1). 1 of the submissions does not count toward it. Last evaluated 2022-04-07.

Conditions:
Inborn genetic diseases. Identifiers: MedGen C0950123, MeSH D030342.

Allele frequency attached by ClinVar (database versions not stated): gnomAD exomes 0.00002 and 0.00007; ExAC 0.00012; 1000 Genomes Project 30x 0.00016; 1000 Genomes Project 0.00020; gnomAD 0.00025 and 0.00029; TOPMed 0.00033; ESP Exome Variant Server 0.00038.
gnomAD v4.1: 71 of 1,607,488 alleles (0.0044%); highest among the groups gnomAD compares: African/African-American, 0.083%; no homozygotes.

Submissions (2):

Ambry Genetics
Classification: Likely benign for Inborn genetic diseases. Last evaluated: 2022-04-07. Review status: criteria provided, single submitter. Criteria: Ambry Variant Classification Scheme 2023. Collection method: clinical testing. Allele origin: germline.

Department of Pathology and Laboratory Medicine, Sinai Health System
Classification: Likely benign. Review status: no assertion criteria provided. Collection method: clinical testing. Allele origin: unknown. Affected: yes. Study: The Canadian Open Genetics Repository (COGR). Not counted in ClinVar's aggregate classification.
Comment: The CNOT2 p.N237S variant was not identified in the literature nor was it identified in ClinVar. The variant was identified in dbSNP (ID: rs201309251) and in control databases in 22 of 282610 chromosomes at a frequency of 0.00007785, and was observed at the highest frequency in the African population in 21 of 24946 chromosomes (freq: 0.0008418) (Genome Aggregation Database March 6, 2019, v2.1.1). This frequency is greater than expected for the rare, autosomal dominant intellectual developmental disorder with nasal speech, dysmorphic facies, and variable skeletal anomalies condition associated with CNOT2 variants. The p.N237 residue is conserved in mammals however computational analyses (MUT Assesor, PolyPhen-2, SIFT, MutationTaster, Revel, FATHMM, MetaLR, DANN) do not suggest a high likelihood of impact to the protein; this information is not very predictive of pathogenicity. The variant occurs outside of the splicing consensus sequence and in silico or computational prediction software programs (Splice AI exome) do not predict a difference in splicing. In summary, based on the above information the clinical significance of this variant cannot be determined with certainty at this time although we would lean towards a more benign role for this variant. This variant is classified as likely benign.